The following is an entry in ClinVar:

NM_001379286.1(ZNF423):c.338C>T (p.Ser113Leu)

Gene: ZNF423 (zinc finger protein 423; minus strand). Cytogenetic location: 16q12.1.
Variant type: single nucleotide variant.
Coding change: c.338C>T on transcript NM_001379286.1 (MANE Select); coding-DNA position 338, C replaced by T.
Protein change: p.Ser113Leu; replaces serine 113 with leucine.
Molecular consequence: missense variant. On other transcripts: 5 prime UTR variant (1).
Genome position (GRCh38, 1-based): chr16:49,638,838, G>A on the plus strand (C>T on the coding strand, the complement: ZNF423 is on the minus strand). VCF-style: chr16-49638838-G-A. GRCh37 (hg19) VCF-style: chr16-49672749-G-A.
Other names: c.134C>T, p.Ser45Leu (NM_001271620.2); c.-38C>T (NM_001330533.2); c.314C>T, p.Ser105Leu (NM_015069.5); short protein forms S105L, S113L, S45L.
Identifiers: ClinVar variation 1060953 (VCV001060953.8), dbSNP rs982065747, ClinGen allele CA281213828.

ClinVar aggregate classification (germline): Uncertain significance (1 of 4 stars; one submission).

Conditions:
Nephronophthisis 14 (NPHP14). Identifiers: Orphanet 2318, MedGen C3539071, MONDO:0013916, OMIM 614844.

Allele frequency attached by ClinVar (database versions not stated): gnomAD exomes below 0.00001; gnomAD 0.00001; TOPMed 0.00001.
gnomAD v4.1: 5 of 1,612,480 alleles (0.00031%); highest among the groups gnomAD compares: Admixed American, 0.0033%; no homozygotes.

Submission:

Labcorp Genetics (formerly Invitae), Labcorp
Classification: Uncertain significance for Nephronophthisis 14. Last evaluated: 2020-06-23. Review status: criteria provided, single submitter. Criteria: Invitae Variant Classification Sherloc (09022015). Collection method: clinical testing. Allele origin: germline.
Comment: In summary, the available evidence is currently insufficient to determine the role of this variant in disease. Therefore, it has been classified as a Variant of Uncertain Significance. Algorithms developed to predict the effect of missense changes on protein structure and function are either unavailable or do not agree on the potential impact of this missense change (SIFT: "Tolerated"; PolyPhen-2: "Probably Damaging"; Align-GVGD: "Class C0"). This variant has not been reported in the literature in individuals with ZNF423-related conditions. This variant is not present in population databases (ExAC no frequency). This sequence change replaces serine with leucine at codon 105 of the ZNF423 protein (p.Ser105Leu). The serine residue is moderately conserved and there is a large physicochemical difference between serine and leucine.